The following is an entry in ClinVar:

ClinVar aggregate classification (germline): Likely benign (0 of 4 stars; one submission).

Conditions:
CEP170B-related disorder. Also called: CEP170B-related condition.

Allele frequency attached by ClinVar (database versions not stated): gnomAD exomes 0.00002; gnomAD 0.00004; ExAC 0.00005; TOPMed 0.00009.
gnomAD v4.1: 38 of 1,577,604 alleles (0.0024%); highest among the groups gnomAD compares: Admixed American, 0.04%; no homozygotes.

Submission:

PreventionGenetics, part of Exact Sciences
Classification: Likely benign for CEP170B-related condition. Last evaluated: 2019-05-09. Review status: no assertion criteria provided. Collection method: clinical testing. Allele origin: germline.
Comment: This variant is classified as likely benign based on ACMG/AMP sequence variant interpretation guidelines (Richards et al. 2015 PMID: 25741868, with internal and published modifications).

NM_001112726.3(CEP170B):c.234C>T (p.Tyr78=)

Gene: CEP170B (centrosomal protein 170B; plus strand). Cytogenetic location: 14q32.33.
Variant type: single nucleotide variant.
Coding change: c.234C>T on transcript NM_001112726.3 (MANE Select); coding-DNA position 234, C replaced by T.
Protein change: p.Tyr78=; no amino-acid change (tyrosine 78 retained).
Molecular consequence: synonymous variant.
Genome position (GRCh38, 1-based): chr14:104,877,923, C>T. VCF-style: chr14-104877923-C-T. GRCh37 (hg19) VCF-style: chr14-105344260-C-T.
Other names: c.24C>T, p.Tyr8= (NM_015005.3).
Identifiers: ClinVar variation 3038267 (VCV003038267.2), dbSNP rs778351838, ClinGen allele CA7375173.